The following is an entry in ClinVar:

ClinVar aggregate classification (germline): Pathogenic (1 of 4 stars; one submission).

Conditions:
LAMA2-related muscular dystrophy (LAMA2-RD). Also called: Laminin alpha 2-related dystrophy. Identifiers: MedGen C5679788, MONDO:0100228.

Submission:

Myriad Genetics, Inc.
Classification: Pathogenic for LAMA2-related muscular dystrophy. Last evaluated: 2026-03-19. Review status: criteria provided, single submitter. Criteria: Myriad Autosomal Dominant, Autosomal Recessive and X-Linked Classification Criteria (2023). Collection method: clinical testing. Allele origin: unknown.
Comment: NM_000426.3(LAMA2):c.1031dupG(C344Wfs*8) is expected to be pathogenic in the context of muscular dystrophy, LAMA2-related. This variant is predicted to lead to an abnormal or absent protein product due to the creation of a premature termination codon in LAMA2, a gene where loss-of-function variants are known to be pathogenic. Please note: this variant was assessed in the context of healthy population screening.

NM_000426.4(LAMA2):c.1031dup (p.Cys344fs)

Gene: LAMA2 (laminin subunit alpha 2; plus strand). Cytogenetic location: 6q22.33.
Variant type: Duplication.
Coding change: c.1031dup on transcript NM_000426.4 (MANE Select); coding-DNA position 1031, one base duplicated (G; older notation c.1031dupG).
Protein change: p.Cys344fs; shifts the reading frame from cysteine 344.
Molecular consequence: frameshift variant.
Genome position (GRCh38, 1-based): chr6:129,154,508, G duplicated. VCF-style (leftmost placement, unchanged base first): chr6-129154507-T-TG. GRCh37 (hg19) VCF-style: chr6-129475652-T-TG.
Other names: c.1031dup, p.Cys344fs (NM_001079823.2); short protein forms C344fs.
Identifiers: ClinVar variation 5015696 (VCV005015696.1).